The following is an entry in ClinVar:

ClinVar aggregate classification (germline): Pathogenic (1 of 4 stars; one submission).

Conditions:
Maple syrup urine disease (MSUD). Identifiers: Orphanet 511, MedGen C0024776, MeSH D008375, MONDO:0009563. Disease mechanism: loss of function.

Submission:

Labcorp Genetics (formerly Invitae), Labcorp
Classification: Pathogenic for Maple syrup urine disease. Last evaluated: 2021-06-01. Review status: criteria provided, single submitter. Criteria: Invitae Variant Classification Sherloc (09022015). Collection method: clinical testing. Allele origin: germline.
Comment: This sequence change creates a premature translational stop signal (p.Arg13Alafs*63) in the BCKDHB gene. It is expected to result in an absent or disrupted protein product. Loss-of-function variants in BCKDHB are known to be pathogenic (PMID: 16786533, 22593002). For these reasons, this variant has been classified as Pathogenic. This variant has not been reported in the literature in individuals with BCKDHB-related conditions. The frequency data for this variant in the population databases is considered unreliable, as metrics indicate insufficient coverage at this position in the ExAC database.

Literature cited by the submitters: PubMed 16786533; PubMed 22593002.

NM_183050.4(BCKDHB):c.25_35dup (p.Arg13fs)

Gene: BCKDHB (branched chain keto acid dehydrogenase E1 subunit beta; plus strand). Cytogenetic location: 6q14.1.
Variant type: Duplication.
Coding change: c.25_35dup on transcript NM_183050.4 (MANE Select); coding-DNA positions 25 to 35, 11 bases duplicated (GGCTGGCTACT).
Protein change: p.Arg13fs; shifts the reading frame from arginine 13.
Molecular consequence: frameshift variant. On other transcripts: non-coding transcript variant (1), intron variant (1).
Genome position (GRCh38, 1-based): chr6:80,106,718-80,106,728, GGCTGGCTACT duplicated. VCF-style (leftmost placement, unchanged base first): chr6-80106717-C-CGGCTGGCTACT. GRCh37 (hg19) VCF-style: chr6-80816434-C-CGGCTGGCTACT.
Other names: c.25_35dup, p.Arg13fs (NM_000056.5); c.-15+35_-15+45dup (NM_001318975.1); short protein forms R13fs.
Identifiers: ClinVar variation 1418173 (VCV001418173.6), dbSNP rs2127698743, ClinGen allele CA2573141307.